The following is an entry in ClinVar:

ClinVar aggregate classification (germline): Uncertain significance (1 of 4 stars; one submission).

gnomAD v4.1: 7 of 1,613,352 alleles (0.00043%); highest among the groups gnomAD compares: Non-Finnish European, 0.00059%; no homozygotes.

Submission:

Mayo Clinic Laboratories, Mayo Clinic
Classification: Uncertain significance. Last evaluated: 2023-07-06. Review status: criteria provided, single submitter. Criteria: ACMG Guidelines, 2015. Collection method: clinical testing. Allele origin: germline. Observed: 1 variant allele.
Comment: BP4

NM_172351.3(CD46):c.658G>A (p.Ala220Thr)

Gene: CD46 (CD46 molecule; plus strand). Cytogenetic location: 1q32.2.
Variant type: single nucleotide variant.
Coding change: c.658G>A on transcript NM_172351.3 (MANE Select); coding-DNA position 658, G replaced by A.
Protein change: p.Ala220Thr; replaces alanine 220 with threonine.
Molecular consequence: missense variant.
Genome position (GRCh38, 1-based): chr1:207,761,431, G>A. VCF-style: chr1-207761431-G-A. GRCh37 (hg19) VCF-style: chr1-207934776-G-A.
Other names: p.Ala220Thr; c.658G>A, p.Ala220Thr (NM_002389.4, NM_153826.4, NM_172350.3 and 8 more transcripts); short protein forms A220T.
Identifiers: ClinVar variation 3380575 (VCV003380575.1).